The following is an entry in ClinVar:

ClinVar aggregate classification (germline): Conflicting classifications of pathogenicity. Review status: criteria provided, conflicting classifications (1 of 4 stars). 2 submissions from 2 submitters: Likely pathogenic (1); Uncertain significance (1). Last evaluated 2025-07-10.

Submissions (2):

Women's Health and Genetics/Laboratory Corporation of America, LabCorp
Classification: Uncertain significance. Last evaluated: 2025-07-10. Review status: criteria provided, single submitter. Criteria: LabCorp Variant Classification Summary - May 2015. Collection method: clinical testing. Allele origin: germline.
Comment: Variant summary: F8 c.1247C>T (p.Pro416Leu) results in a non-conservative amino acid change in the encoded protein sequence. Algorithms developed to predict the effect of missense changes on protein structure and function all suggest that this variant is likely to be disruptive. The variant was absent in 182924 control chromosomes. The available data on variant occurrences in the general population are insufficient to allow any conclusion about variant significance. c.1247C>T has been observed in at least one male affected with Factor VIII Deficiency (Hemophilia A) (example: Lin_2008). These data do not allow any conclusion about variant significance. To our knowledge, no experimental evidence demonstrating an impact on protein function has been reported. The following publication has been ascertained in the context of this evaluation (PMID: 18565236). ClinVar contains an entry for this variant (Variation ID: 2428701). Based on the evidence outlined above, the variant was classified as uncertain significance.

ARUP Laboratories, Molecular Genetics and Genomics, ARUP Laboratories
Classification: Likely pathogenic. Last evaluated: 2022-06-15. Review status: criteria provided, single submitter. Criteria: ARUP Molecular Germline Variant Investigation Process 2021. Collection method: clinical testing. Allele origin: germline.
Comment: The F8 c.1247C>T; p.Pro416Leu variant is reported in the literature in an individual affected with moderate hemophilia A (Lin 2008). This variant is absent from the Genome Aggregation Database, indicating it is not a common polymorphism. The proline at codon 416 is highly conserved, and computational analyses predict that this variant is deleterious (REVEL: 0.971). Based on available information, this variant is considered to be likely pathogenic. References: Lin SY et al. Mutation spectrum of 122 hemophilia A families from Taiwanese population by LD-PCR, DHPLC, multiplex PCR and evaluating the clinical application of HRM. BMC Med Genet. 2008 Jun 20;9:53. PMID: 18565236

Literature cited by the submitters: PubMed 18565236 (cited by Women's Health and Genetics/Laboratory Corporation of America, LabCorp).

NM_000132.4(F8):c.1247C>T (p.Pro416Leu)

Gene: F8 (coagulation factor VIII; minus strand). Cytogenetic location: Xq28.
Variant type: single nucleotide variant.
Coding change: c.1247C>T on transcript NM_000132.4 (MANE Select); coding-DNA position 1247, C replaced by T.
Protein change: p.Pro416Leu; replaces proline 416 with leucine.
Molecular consequence: missense variant.
Genome position (GRCh38, 1-based): chrX:154,966,450, G>A on the plus strand (C>T on the coding strand, the complement: F8 is on the minus strand). VCF-style: chrX-154966450-G-A. GRCh37 (hg19) VCF-style: chrX-154194725-G-A.
Other names: short protein forms P416L.
Identifiers: ClinVar variation 2428701 (VCV002428701.4), dbSNP rs2523951112, ClinGen allele CA414915796.